The following is an entry in ClinVar:

NM_001201325.2(PDZK1):c.567G>A (p.Glu189=)

Gene: PDZK1 (PDZ domain containing 1; minus strand). Cytogenetic location: 1q21.1.
Variant type: single nucleotide variant.
Coding change: c.567G>A on transcript NM_001201325.2 (MANE Select); coding-DNA position 567, G replaced by A.
Protein change: p.Glu189=; no amino-acid change (glutamic acid 189 retained).
Molecular consequence: synonymous variant. On other transcripts: intron variant (2).
Genome position (GRCh38, 1-based): chr1:145,682,530, C>T on the plus strand (G>A on the coding strand, the complement: PDZK1 is on the minus strand). VCF-style: chr1-145682530-C-T. GRCh37 (hg19) VCF-style: chr1-145752534-G-A.
Other names: c.567G>A, p.Glu189= (NM_001371359.1, NM_002614.4); c.461-3885G>A (NM_001201326.1); c.-24-1423G>A (NM_001371361.1).
Identifiers: ClinVar variation 2639114 (VCV002639114.24), dbSNP rs2525493954, ClinGen allele CA420233244.

ClinVar aggregate classification (germline): Likely benign (1 of 4 stars; one submission).

Allele frequency attached by ClinVar (database versions not stated): gnomAD exomes below 0.00001.
gnomAD v4.1: 2 of 1,606,982 alleles (0.00012%); highest among the groups gnomAD compares: Middle Eastern, 0.023%; no homozygotes.

Submission:

CeGaT Center for Human Genetics Tuebingen
Classification: Likely benign. Last evaluated: 2022-07-01. Review status: criteria provided, single submitter. Criteria: CeGaT Center For Human Genetics Tuebingen Variant Classification Criteria Version 2. Collection method: clinical testing. Allele origin: germline. Affected: yes. Observed: 1 variant allele.
Comment: PDZK1: PM2:Supporting, BP4, BP7